The following continues an entry in ClinVar:

NM_000059.4(BRCA2):c.7558C>T (p.Arg2520Ter)

Gene: BRCA2. ClinVar aggregate classification (germline): Pathogenic. Pathogenic (1).

Submissions 41 to 42 of 42:

Department of Pathology and Laboratory Medicine, Sinai Health System
Classification: Pathogenic for Malignant tumor of breast. Review status: no assertion criteria provided. Collection method: clinical testing. Allele origin: unknown. Affected: yes. Study: The Canadian Open Genetics Repository (COGR). Not counted in ClinVar's aggregate classification.
Comment: The p.Arg2520X variant is identified in 2 out of 4418 proband chromosomes with unilateral and familial breast cancers, although it was not investigated in controls (Hâˆšâ€¢kansson 1997, Borg 2010). It was listed in the dbSNP database as coming from a "clinical source" (ID#: rs80358981) with no frequency information available. However, this variant has been presented as a clinically important variant in the UMD (3 times) and the BIC (44 times) databases. The p.Arg2520X variant leads to a premature stop codon at position 2520, which is predicted to lead to a truncated or absent BRCA2 protein. Loss of function of the BRCA2 gene is an established disease mechanism in hereditary breast and ovarian cancer. In summary, based on the above information, this variant is classified as pathogenic.

Diagnostic Laboratory, Department of Genetics, University Medical Center Groningen
Classification: Pathogenic for Breast-ovarian cancer, familial, susceptibility to, 2. Review status: no assertion criteria provided. Collection method: clinical testing. Allele origin: germline. Affected: yes. Study: VKGL Data-share Consensus. Not counted in ClinVar's aggregate classification.

Literature cited by the submitters: PubMed 9150154 (cited by 11 submitters); PubMed 12491499 (cited by Ambry Genetics and Women's Health and Genetics/Laboratory Corporation of America, LabCorp); PubMed 14746861 (cited by 3 submitters); PubMed 14981104 (cited by 3 submitters); PubMed 16284991 (cited by 6 submitters); PubMed 20104584 (cited by 4 submitters); PubMed 21913181 (cited by 4 submitters); PubMed 21990299 (cited by 8 submitters); PubMed 22009639 (cited by 7 submitters); PubMed 23555315 (cited by Ambry Genetics and Counsyl); PubMed 24549055 (cited by Ambry Genetics and Laboratory for Molecular Medicine, Mass General Brigham Personalized Medicine); PubMed 25682074 (cited by Ambry Genetics and Color Diagnostics, LLC DBA Color Health); PubMed 25863477 (cited by 6 submitters); PubMed 26689913 (cited by Ambry Genetics); PubMed 26845104 (cited by Ambry Genetics); PubMed 27469594 (cited by Ambry Genetics); PubMed 27989354 (cited by Ambry Genetics); PubMed 28724667 (cited by Ambry Genetics and Color Diagnostics, LLC DBA Color Health); PubMed 28831036 (cited by Ambry Genetics and Sema4); PubMed 28993434 (cited by Ambry Genetics and Color Diagnostics, LLC DBA Color Health); PubMed 29176636 (cited by Ambry Genetics and Sema4); PubMed 29360550 (cited by 3 submitters); PubMed 29433453 (cited by 3 submitters); PubMed 29446198 (cited by 3 submitters); PubMed 29487695 (cited by Ambry Genetics); PubMed 29534594 (cited by 3 submitters); PubMed 30050867 (cited by Ambry Genetics); PubMed 30322717 (cited by Ambry Genetics); PubMed 30706003 (cited by Ambry Genetics); PubMed 30720863 (cited by Ambry Genetics); PubMed 30736435 (cited by Ambry Genetics and Mayo Clinic Laboratories, Mayo Clinic); PubMed 31396961 (cited by Ambry Genetics); PubMed 31815095 (cited by Ambry Genetics); PubMed 31948886 (cited by Ambry Genetics); PubMed 32338768 (cited by Ambry Genetics); PubMed 32719484 (cited by Ambry Genetics); PubMed 32782288 (cited by Ambry Genetics); PubMed 32817299 (cited by Ambry Genetics); PubMed 33471991 (cited by Ambry Genetics and Color Diagnostics, LLC DBA Color Health); PubMed 34570441 (cited by Dasa and All of Us Research Program, National Institutes of Health); PubMed 28194609 (cited by 3 submitters); PubMed 35834759 (cited by 3 submitters); PubMed 36853301 (cited by 4 submitters); PubMed 31467961 (cited by 3 submitters); PubMed 36171877 (cited by 3 submitters); PubMed 23242139 (cited by Labcorp Genetics (formerly Invitae), Labcorp); PubMed 24959366 (cited by 4 submitters); PubMed 16199546 (cited by Variantyx, Inc.); PubMed 17063271 (cited by Variantyx, Inc.); PubMed 25632310 (cited by Variantyx, Inc.); PubMed 12097290 (cited by Variantyx, Inc.); PubMed 11897832 (cited by Variantyx, Inc. and All of Us Research Program, National Institutes of Health); PubMed 12569143 (cited by Variantyx, Inc.); PubMed 31853058 (cited by Mayo Clinic Laboratories, Mayo Clinic); PubMed 26295337 (cited by Quest Diagnostics Nichols Institute San Juan Capistrano and Color Diagnostics, LLC DBA Color Health); PubMed 8988179 (cited by All of Us Research Program, National Institutes of Health); PubMed 15131399 (cited by Color Diagnostics, LLC DBA Color Health); PubMed 30287823 (cited by Color Diagnostics, LLC DBA Color Health); PubMed 24830819 (cited by Laboratory for Molecular Medicine, Mass General Brigham Personalized Medicine); PubMed 25637381 (cited by Laboratory for Molecular Medicine, Mass General Brigham Personalized Medicine); PubMed 25525159 (cited by Laboratory for Molecular Medicine, Mass General Brigham Personalized Medicine); PubMed 25085752 (cited by Counsyl).